The following is an entry in ClinVar:

NM_003073.5(SMARCB1):c.*75_*86del

Gene: SMARCB1 (SWI/SNF related BAF chromatin remodeling complex subunit B1; plus strand). Cytogenetic location: 22q11.23.
Variant type: Deletion.
Coding change: c.*75_*86del on transcript NM_003073.5 (MANE Select); 75 bases downstream of the stop codon through 86 bases downstream of the stop codon, 12 bases deleted (ACAGAGGCGAGG).
Molecular consequence: 3 prime UTR variant.
Genome position (GRCh38, 1-based): chr22:23,834,255-23,834,266, ACAGAGGCGAGG deleted; deleting any 12 consecutive bases within chr22:23,834,252-23,834,266 gives the same sequence; the c. name uses the placement nearest the transcript's 3' end. VCF-style (leftmost placement, unchanged base first): chr22-23834251-AAGGACAGAGGCG-A. GRCh37 (hg19) VCF-style: chr22-24176438-AAGGACAGAGGCG-A.
Other names: c.*75_*86del (NM_001007468.3, NM_001317946.2, NM_001362877.2).
Identifiers: ClinVar variation 3014219 (VCV003014219.3), dbSNP rs1171565856, ClinGen allele CA638690158.

ClinVar aggregate classification (germline): Uncertain significance (1 of 4 stars; one submission).

Submission:

Labcorp Genetics (formerly Invitae), Labcorp
Classification: Uncertain significance. Last evaluated: 2025-01-06. Review status: criteria provided, single submitter. Criteria: Invitae Variant Classification Sherloc (09022015). Collection method: clinical testing. Allele origin: germline.
Comment: This variant occurs in a non-coding region of the SMARCB1 gene. It does not change the encoded amino acid sequence of the SMARCB1 protein. This variant is present in population databases (no rsID available, gnomAD 0.01%). This variant has not been reported in the literature in individuals affected with SMARCB1-related conditions. ClinVar contains an entry for this variant (Variation ID: 3014219). Experimental studies and prediction algorithms are not available or were not evaluated, and the functional significance of this variant is currently unknown. In summary, the available evidence is currently insufficient to determine the role of this variant in disease. Therefore, it has been classified as a Variant of Uncertain Significance.